The following is an entry in ClinVar:

ClinVar aggregate classification (germline): Likely benign (0 of 4 stars; one submission).

Conditions:
PLXNA1-related disorder. Also called: PLXNA1-related condition.

gnomAD v4.1: 16 of 1,613,702 alleles (0.00099%); highest among the groups gnomAD compares: Middle Eastern, 0.016%; no homozygotes.

Submission:

PreventionGenetics, part of Exact Sciences
Classification: Likely benign for PLXNA1-related condition. Last evaluated: 2024-07-26. Review status: no assertion criteria provided. Collection method: clinical testing. Allele origin: germline.
Comment: This variant is classified as likely benign based on ACMG/AMP sequence variant interpretation guidelines (Richards et al. 2015 PMID: 25741868, with internal and published modifications).

NM_032242.4(PLXNA1):c.4791G>A (p.Ser1597=)

Gene: PLXNA1 (plexin A1; plus strand). Cytogenetic location: 3q21.3.
Variant type: single nucleotide variant.
Coding change: c.4791G>A on transcript NM_032242.4 (MANE Select); coding-DNA position 4791, G replaced by A.
Protein change: p.Ser1597=; no amino-acid change (serine 1597 retained).
Molecular consequence: synonymous variant.
Genome position (GRCh38, 1-based): chr3:127,029,457, G>A. VCF-style: chr3-127029457-G-A. GRCh37 (hg19) VCF-style: chr3-126748300-G-A.
Identifiers: ClinVar variation 3354603 (VCV003354603.1).